The following is an entry in ClinVar:

ClinVar aggregate classification (germline): Conflicting classifications of pathogenicity. Review status: criteria provided, conflicting classifications (1 of 4 stars). 10 submissions from 10 submitters: Uncertain significance (1); Benign (1); Likely benign (5). 3 of the submissions do not count toward it. Last evaluated 2026-01-28.

Conditions:
WAS-related disorder. Also called: WAS-related condition; WAS-Related Disorders. Identifiers: MedGen CN381538.
Thrombocytopenia 1. Also called: X-Linked Thrombocytopenia (XLT); THROMBOCYTOPENIA, X-LINKED, 1; X-linked thrombocytopenia with normal platelets. Identifiers: Orphanet 268322, Orphanet 852, MedGen C1839163, MONDO:0010743, OMIM 313900.
X-linked severe congenital neutropenia (SCNX). Identifiers: Orphanet 86788, MedGen C1845987, MONDO:0010294, OMIM 300299.
Wiskott-Aldrich syndrome (WAS). Also called: ALDRICH SYNDROME; IMMUNODEFICIENCY 2; Wiskott-aldrich syndrome, somatic; WISKOTT-ALDRICH SYNDROME 1. Identifiers: Orphanet 906, MedGen C0043194, MONDO:0010518, OMIM 301000.

Allele frequency attached by ClinVar (database versions not stated): 1000 Genomes Project 30x 0.00021; 1000 Genomes Project 0.00026; gnomAD 0.00063; ExAC 0.00083; gnomAD exomes 0.00101 and 0.00136; TOPMed 0.00129; ESP Exome Variant Server 0.00133.
gnomAD v4.1: 1,622 of 1,210,927 alleles (0.13%); highest among the groups gnomAD compares: Non-Finnish European, 0.15%; 1 homozygote.

Submissions (10):

Labcorp Genetics (formerly Invitae), Labcorp
Classification: Benign for Wiskott-Aldrich syndrome; X-linked severe congenital neutropenia; Thrombocytopenia 1. Last evaluated: 2026-01-28. Review status: criteria provided, single submitter. Criteria: Invitae Variant Classification Sherloc (09022015). Collection method: clinical testing. Allele origin: germline.

Blueprint Genetics
Classification: Likely benign. Last evaluated: 2024-11-27. Review status: criteria provided, single submitter. Criteria: ACMG Guidelines, 2015. Collection method: clinical testing. Allele origin: germline.

CeGaT Center for Human Genetics Tuebingen
Classification: Likely benign. Last evaluated: 2020-12-01. Review status: criteria provided, single submitter. Criteria: CeGaT Center For Human Genetics Tuebingen Variant Classification Criteria Version 2. Collection method: clinical testing. Allele origin: germline. Affected: yes. Observed: 1 variant allele.

Center for Pediatric Genomic Medicine, Children's Mercy Hospital and Clinics
Classification: Likely benign. Last evaluated: 2017-02-15. Review status: criteria provided, single submitter. Criteria: ACMG Guidelines, 2015. Collection method: clinical testing. Allele origin: germline.
ClinVar note: Converted during submission from Likely Benign to Likely benign.

Genetic Services Laboratory, University of Chicago
Classification: Likely benign. Last evaluated: 2017-01-19. Review status: criteria provided, single submitter. Criteria: ACMG Guidelines, 2015. Collection method: clinical testing. Allele origin: germline. Affected: no.

Eurofins Ntd Llc (ga)
Classification: Uncertain significance. Last evaluated: 2016-07-15. Review status: criteria provided, single submitter. Criteria: EGL Classification Definitions 2015. Collection method: clinical testing. Allele origin: germline. Observed: 1 variant allele, 1 heterozygote.

GeneDx
Classification: Likely benign. Last evaluated: 2015-06-04. Review status: criteria provided, single submitter. Criteria: GeneDx Variant Classification (06012015). Collection method: clinical testing. Allele origin: germline. Affected: yes.
Comment: This variant is considered likely benign or benign based on one or more of the following criteria: it is a conservative change, it occurs at a poorly conserved position in the protein, it is predicted to be benign by multiple in silico algorithms, and/or has population frequency not consistent with disease.

PreventionGenetics, part of Exact Sciences
Classification: Benign for WAS-related condition. Last evaluated: 2020-07-02. Review status: no assertion criteria provided. Collection method: clinical testing. Allele origin: germline. Not counted in ClinVar's aggregate classification.
Comment: This variant is classified as benign based on ACMG/AMP sequence variant interpretation guidelines (Richards et al. 2015 PMID: 25741868, with internal and published modifications).

Women's Health and Genetics/Laboratory Corporation of America, LabCorp
Classification: Likely benign for Thrombocytopenia, X-linked. Last evaluated: 2015-10-02. Review status: no assertion criteria provided. Collection method: clinical testing. Allele origin: germline. Not counted in ClinVar's aggregate classification.

ITMI
No classification provided. Condition: AllHighlyPenetrant. Last evaluated: 2013-09-19. Review status: no classification provided. Collection method: reference population. Allele origin: germline. Not counted in ClinVar's aggregate classification.
Comment: Please see associated publication for description of ethnicities

Literature cited by the submitters: PubMed 24728327 (cited by ITMI).

NM_000377.3(WAS):c.538C>A (p.His180Asn)

Gene: WAS (WASP actin nucleation promoting factor; plus strand). Cytogenetic location: Xp11.23.
Variant type: single nucleotide variant.
Coding change: c.538C>A on transcript NM_000377.3 (MANE Select); coding-DNA position 538, C replaced by A.
Protein change: p.His180Asn; replaces histidine 180 with asparagine.
Molecular consequence: missense variant.
Genome position (GRCh38, 1-based): chrX:48,686,113, C>A. VCF-style: chrX-48686113-C-A. GRCh37 (hg19) VCF-style: chrX-48544502-C-A.
Other names: short protein forms H180N.
Identifiers: ClinVar variation 36912 (VCV000036912.61), dbSNP rs145040665, ClinGen allele CA162689.